The following is an entry in ClinVar:

NM_003482.4(KMT2D):c.6097C>G (p.Gln2033Glu)

Gene: KMT2D (lysine methyltransferase 2D; minus strand). Cytogenetic location: 12q13.12.
Variant type: single nucleotide variant.
Coding change: c.6097C>G on transcript NM_003482.4 (MANE Select); coding-DNA position 6097, C replaced by G.
Protein change: p.Gln2033Glu; replaces glutamine 2033 with glutamic acid.
Molecular consequence: missense variant.
Genome position (GRCh38, 1-based): chr12:49,042,101, G>C on the plus strand (C>G on the coding strand, the complement: KMT2D is on the minus strand). VCF-style: chr12-49042101-G-C. GRCh37 (hg19) VCF-style: chr12-49435884-G-C.
Other names: short protein forms Q2033E.
Identifiers: ClinVar variation 3707055 (VCV003707055.2).

ClinVar aggregate classification (germline): Uncertain significance (1 of 4 stars; one submission).

Conditions:
Kabuki syndrome. Also called: Kabuki make-up syndrome; NIIKAWA-KUROKI SYNDROME. Identifiers: Orphanet 2322, MedGen C0796004, MONDO:0016512.

Submission:

Labcorp Genetics (formerly Invitae), Labcorp
Classification: Uncertain significance for Kabuki syndrome. Last evaluated: 2024-08-05. Review status: criteria provided, single submitter. Criteria: Invitae Variant Classification Sherloc (09022015). Collection method: clinical testing. Allele origin: germline.
Comment: This sequence change replaces glutamine, which is neutral and polar, with glutamic acid, which is acidic and polar, at codon 2033 of the KMT2D protein (p.Gln2033Glu). This variant is not present in population databases (gnomAD no frequency). This variant has not been reported in the literature in individuals affected with KMT2D-related conditions. Advanced modeling of protein sequence and biophysical properties (such as structural, functional, and spatial information, amino acid conservation, physicochemical variation, residue mobility, and thermodynamic stability) performed at Invitae indicates that this missense variant is not expected to disrupt KMT2D protein function with a negative predictive value of 95%. In summary, the available evidence is currently insufficient to determine the role of this variant in disease. Therefore, it has been classified as a Variant of Uncertain Significance.